The following is an entry in ClinVar:

NM_024996.7(GFM1):c.1363A>G (p.Met455Val)

Gene: GFM1 (G elongation factor mitochondrial 1; plus strand). Cytogenetic location: 3q25.32.
Variant type: single nucleotide variant.
Coding change: c.1363A>G on transcript NM_024996.7 (MANE Select); coding-DNA position 1363, A replaced by G.
Protein change: p.Met455Val; replaces methionine 455 with valine.
Molecular consequence: missense variant. On other transcripts: non-coding transcript variant (4).
Genome position (GRCh38, 1-based): chr3:158,662,667, A>G. VCF-style: chr3-158662667-A-G. GRCh37 (hg19) VCF-style: chr3-158380456-A-G.
Other names: c.1420A>G, p.Met474Val (NM_001308164.2); c.1363A>G, p.Met455Val (NM_001308166.2); c.1282A>G, p.Met428Val (NM_001374355.1); c.1246A>G, p.Met416Val (NM_001374356.1); c.1138A>G, p.Met380Val (NM_001374357.1); c.904A>G, p.Met302Val (NM_001374358.1); c.796A>G, p.Met266Val (NM_001374359.1, NM_001374360.1); c.679A>G, p.Met227Val (NM_001374361.1); short protein forms M227V, M302V, M474V, M266V, M416V, M428V, M455V, M380V.
Identifiers: ClinVar variation 1897924 (VCV001897924.3), dbSNP rs769036266, ClinGen allele CA2682621.

ClinVar aggregate classification (germline): Uncertain significance (1 of 4 stars; one submission).

Allele frequency attached by ClinVar (database versions not stated): ExAC 0.00001; gnomAD 0.00001; TOPMed 0.00001.
gnomAD v4.1: 7 of 1,597,192 alleles (0.00044%); highest among the groups gnomAD compares: Admixed American, 0.0017%; no homozygotes.

Submission:

Labcorp Genetics (formerly Invitae), Labcorp
Classification: Uncertain significance. Last evaluated: 2025-08-21. Review status: criteria provided, single submitter. Criteria: Invitae Variant Classification Sherloc (09022015). Collection method: clinical testing. Allele origin: germline.
Comment: This sequence change replaces methionine, which is neutral and non-polar, with valine, which is neutral and non-polar, at codon 455 of the GFM1 protein (p.Met455Val). This variant is present in population databases (rs769036266, gnomAD 0.0009%). This variant has not been reported in the literature in individuals affected with GFM1-related conditions. ClinVar contains an entry for this variant (Variation ID: 1897924). Invitae Evidence Modeling of protein sequence and biophysical properties (such as structural, functional, and spatial information, amino acid conservation, physicochemical variation, residue mobility, and thermodynamic stability) indicates that this missense variant is not expected to disrupt GFM1 protein function with a negative predictive value of 95%. In summary, the available evidence is currently insufficient to determine the role of this variant in disease. Therefore, it has been classified as a Variant of Uncertain Significance.